The following is an entry in ClinVar:

ClinVar aggregate classification (germline): Uncertain significance. Review status: criteria provided, multiple submitters, no conflicts (2 of 4 stars). 7 submissions from 7 submitters: Uncertain significance (6). 1 of the submissions does not count toward it. Last evaluated 2025-08-27.

Conditions:
BBS12-related disorder. Also called: BBS12-related condition.
Inborn genetic diseases. Identifiers: MedGen C0950123, MeSH D030342.
Bardet-Biedl syndrome (BBS). Identifiers: Orphanet 110, MedGen C0752166, MONDO:0015229.
Bardet-Biedl syndrome 12 (BBS12). Identifiers: Orphanet 110, MedGen C1859570, MONDO:0014440, OMIM 615989.

Allele frequency attached by ClinVar (database versions not stated): TOPMed 0.00002; gnomAD exomes 0.00004 and 0.00001; gnomAD 0.00001; ExAC 0.00002.
gnomAD v4.1: 16 of 1,614,118 alleles (0.00099%); highest among the groups gnomAD compares: Admixed American, 0.023%; no homozygotes.

Submissions (7):

Ambry Genetics
Classification: Uncertain significance for Inborn genetic diseases. Last evaluated: 2025-08-27. Review status: criteria provided, single submitter. Criteria: Ambry Variant Classification Scheme 2023. Collection method: clinical testing. Allele origin: germline.

GeneDx
Classification: Uncertain significance. Last evaluated: 2024-08-10. Review status: criteria provided, single submitter. Criteria: GeneDx Variant Classification Process June 2021. Collection method: clinical testing. Allele origin: germline. Affected: yes.
Comment: In silico analysis indicates that this missense variant does not alter protein structure/function; Has not been previously published as pathogenic or benign to our knowledge

Fulgent Genetics
Classification: Uncertain significance for Bardet-Biedl syndrome 12. Last evaluated: 2022-03-01. Review status: criteria provided, single submitter. Criteria: ACMG Guidelines, 2015. Collection method: clinical testing. Allele origin: unknown.

Blueprint Genetics
Classification: Uncertain significance. Last evaluated: 2022-02-05. Review status: criteria provided, single submitter. Criteria: ACMG Guidelines, 2015. Collection method: clinical testing. Allele origin: germline.

Labcorp Genetics (formerly Invitae), Labcorp
Classification: Uncertain significance for Bardet-Biedl syndrome. Last evaluated: 2021-09-20. Review status: criteria provided, single submitter. Criteria: Invitae Variant Classification Sherloc (09022015). Collection method: clinical testing. Allele origin: germline.
Comment: This sequence change replaces threonine with alanine at codon 617 of the BBS12 protein (p.Thr617Ala). The threonine residue is highly conserved and there is a small physicochemical difference between threonine and alanine. This variant is present in population databases (rs771057055, ExAC 0.02%). This variant has not been reported in the literature in individuals with BBS12-related conditions. ClinVar contains an entry for this variant (Variation ID: 283879). Algorithms developed to predict the effect of missense changes on protein structure and function (SIFT, PolyPhen-2, Align-GVGD) all suggest that this variant is likely to be tolerated, but these predictions have not been confirmed by published functional studies and their clinical significance is uncertain. In summary, the available evidence is currently insufficient to determine the role of this variant in disease. Therefore, it has been classified as a Variant of Uncertain Significance.

Eurofins Ntd Llc (ga)
Classification: Uncertain significance. Last evaluated: 2015-10-14. Review status: criteria provided, single submitter. Criteria: EGL Classification Definitions 2015. Collection method: clinical testing. Allele origin: germline. Observed: 1 variant allele, 1 heterozygote.

PreventionGenetics, part of Exact Sciences
Classification: Uncertain significance for BBS12-related condition. Last evaluated: 2024-03-07. Review status: no assertion criteria provided. Collection method: clinical testing. Allele origin: germline. Not counted in ClinVar's aggregate classification.
Comment: The BBS12 c.1849A>G variant is predicted to result in the amino acid substitution p.Thr617Ala. To our knowledge, this variant has not been reported in the literature. This variant is reported in 0.031% of alleles in individuals of Latino descent in gnomAD. At this time, the clinical significance of this variant is uncertain due to the absence of conclusive functional and genetic evidence.

NM_152618.3(BBS12):c.1849A>G (p.Thr617Ala)

Gene: BBS12 (Bardet-Biedl syndrome 12; plus strand). Cytogenetic location: 4q27.
Variant type: single nucleotide variant.
Coding change: c.1849A>G on transcript NM_152618.3 (MANE Select); coding-DNA position 1849, A replaced by G.
Protein change: p.Thr617Ala; replaces threonine 617 with alanine.
Molecular consequence: missense variant.
Genome position (GRCh38, 1-based): chr4:122,743,741, A>G. VCF-style: chr4-122743741-A-G. GRCh37 (hg19) VCF-style: chr4-123664896-A-G.
Other names: c.1849A>G (NM_152618.2); c.1849A>G, p.Thr617Ala (NM_001178007.2); short protein forms T617A.
Identifiers: ClinVar variation 283879 (VCV000283879.13), dbSNP rs771057055, ClinGen allele CA3069518.